The following is an entry in ClinVar:

ClinVar aggregate classification (germline): Uncertain significance (1 of 4 stars; one submission).

Conditions:
Marfan syndrome (MFS). Also called: MARFAN SYNDROME, TYPE I; Marfan syndrome type 1; Marfan's syndrome; Marfan syndrome, classic; FBN1-Related Marfan Syndrome. Identifiers: Orphanet 284963, Orphanet 558, MedGen C0024796, MONDO:0007947, OMIM 154700.
Familial thoracic aortic aneurysm and aortic dissection (TAAD). Also called: Thoracic aortic aneurysms and dissections. Identifiers: Orphanet 91387, MedGen C4707243, MONDO:0019625.

Submission:

Labcorp Genetics (formerly Invitae), Labcorp
Classification: Uncertain significance for Marfan syndrome; Familial thoracic aortic aneurysm and aortic dissection. Last evaluated: 2023-04-17. Review status: criteria provided, single submitter. Criteria: Invitae Variant Classification Sherloc (09022015). Collection method: clinical testing. Allele origin: germline.
Comment: In summary, the available evidence is currently insufficient to determine the role of this variant in disease. Therefore, it has been classified as a Variant of Uncertain Significance. Advanced modeling of protein sequence and biophysical properties (such as structural, functional, and spatial information, amino acid conservation, physicochemical variation, residue mobility, and thermodynamic stability) performed at Invitae indicates that this missense variant is not expected to disrupt FBN1 protein function. This variant has not been reported in the literature in individuals affected with FBN1-related conditions. This variant is not present in population databases (gnomAD no frequency). This sequence change replaces histidine, which is basic and polar, with leucine, which is neutral and non-polar, at codon 2623 of the FBN1 protein (p.His2623Leu).

NM_000138.5(FBN1):c.7868A>T (p.His2623Leu)

Gene: FBN1 (fibrillin 1; minus strand). Cytogenetic location: 15q21.1.
Variant type: single nucleotide variant.
Coding change: c.7868A>T on transcript NM_000138.5 (MANE Select); coding-DNA position 7868, A replaced by T.
Protein change: p.His2623Leu; replaces histidine 2623 with leucine.
Molecular consequence: missense variant.
Genome position (GRCh38, 1-based): chr15:48,415,719, T>A on the plus strand (A>T on the coding strand, the complement: FBN1 is on the minus strand). VCF-style: chr15-48415719-T-A. GRCh37 (hg19) VCF-style: chr15-48707916-T-A.
Other names: c.7868A>T, p.His2623Leu (NM_001406716.1); short protein forms H2623L.
Identifiers: ClinVar variation 2940169 (VCV002940169.3), dbSNP rs2505384061, ClinGen allele CA392323363.